The following is an entry in ClinVar:

NM_001042492.3(NF1):c.6508G>A (p.Val2170Ile)

Gene: NF1 (neurofibromin 1; plus strand). Cytogenetic location: 17q11.2.
Variant type: single nucleotide variant.
Coding change: c.6508G>A on transcript NM_001042492.3 (MANE Select); coding-DNA position 6508, G replaced by A.
Protein change: p.Val2170Ile; replaces valine 2170 with isoleucine.
Molecular consequence: missense variant.
Genome position (GRCh38, 1-based): chr17:31,337,448, G>A. VCF-style: chr17-31337448-G-A. GRCh37 (hg19) VCF-style: chr17-29664466-G-A.
Other names: c.6445G>A, p.Val2149Ile (NM_000267.4); short protein forms V2149I, V2170I.
Identifiers: ClinVar variation 954205 (VCV000954205.6), dbSNP rs2069704816, ClinGen allele CA399013166.
Genomic context (GRCh38, chr17:31,337,448, plus strand): 5'-AGACTCAGTCTGACAGAGTTCTCATTACCCAAATTTTACTTGCTGTTTGGCATTAGCAAA[G>A]TCAAGTCAGCTGCTGTCATTGCCTTCCGTTCCAGTTACCGGGACAGGTCATTCTCTCCTG-3'
Protein context (NP_001035957.1, residues 2160-2180): KFYLLFGISK[Val2170Ile]KSAAVIAFRS

ClinVar aggregate classification (germline): Uncertain significance (1 of 4 stars; one submission).

Conditions:
Neurofibromatosis, type 1 (NF1). Also called: VON RECKLINGHAUSEN DISEASE; NEUROFIBROMATOSIS, TYPE I, SOMATIC; Peripheral type neurofibromatosis; Neurofibromatosis, type I. Identifiers: Orphanet 636, MedGen C0027831, MONDO:0018975, OMIM 162200. Disease mechanism: loss of function.

Submission:

Labcorp Genetics (formerly Invitae), Labcorp
Classification: Uncertain significance for Neurofibromatosis, type 1. Last evaluated: 2022-04-04. Review status: criteria provided, single submitter. Criteria: Invitae Variant Classification Sherloc (09022015). Collection method: clinical testing. Allele origin: germline.
Comment: This variant is not present in population databases (gnomAD no frequency). This sequence change replaces valine, which is neutral and non-polar, with isoleucine, which is neutral and non-polar, at codon 2149 of the NF1 protein (p.Val2149Ile). This variant has not been reported in the literature in individuals affected with NF1-related conditions. In summary, the available evidence is currently insufficient to determine the role of this variant in disease. Therefore, it has been classified as a Variant of Uncertain Significance. Algorithms developed to predict the effect of missense changes on protein structure and function are either unavailable or do not agree on the potential impact of this missense change (SIFT: "Tolerated"; PolyPhen-2: "Probably Damaging"; Align-GVGD: "Class C0"). ClinVar contains an entry for this variant (Variation ID: 954205).